The following is an entry in ClinVar:

NM_001370259.2(MEN1):c.912+6G>T

Gene: MEN1 (menin 1; minus strand). Cytogenetic location: 11q13.1.
Variant type: single nucleotide variant.
Coding change: c.912+6G>T on transcript NM_001370259.2 (MANE Select); 6 bases into the intron after coding-DNA position 912, G replaced by T.
Molecular consequence: intron variant.
Genome position (GRCh38, 1-based): chr11:64,807,005, C>A on the plus strand (G>T on the coding strand, the complement: MEN1 is on the minus strand). VCF-style: chr11-64807005-C-A. GRCh37 (hg19) VCF-style: chr11-64574477-C-A.
Other names: c.927+6G>T (NM_130804.3, NM_130803.3, NM_000244.4 and 3 more transcripts); c.912+6G>T (NM_130799.3, NM_001370260.2, NM_001370251.2 and 1 more transcripts); c.807+6G>T (NM_001370263.2, NM_001370262.2).
Identifiers: ClinVar variation 939837 (VCV000939837.9), dbSNP rs755302991, ClinGen allele CA061800.

ClinVar aggregate classification (germline): Uncertain significance (1 of 4 stars; one submission).

Conditions:
Multiple endocrine neoplasia, type 1 (MEN1). Also called: MEN I; WERMER SYNDROME; Endocrine adenomatosis multiple; MEN 1; MEA I. Identifiers: Orphanet 652, MedGen C0025267, MeSH D018761, MONDO:0007540, OMIM 131100.

Allele frequency attached by ClinVar (database versions not stated): gnomAD exomes below 0.00001; ExAC 0.00001.
gnomAD v4.1: 1 of 1,612,364 alleles (0.000062%); highest among the groups gnomAD compares: East Asian, 0.0022%; no homozygotes.

Submission:

Labcorp Genetics (formerly Invitae), Labcorp
Classification: Uncertain significance for Multiple endocrine neoplasia, type 1. Last evaluated: 2019-07-29. Review status: criteria provided, single submitter. Criteria: Invitae Variant Classification Sherloc (09022015). Collection method: clinical testing. Allele origin: germline.
Comment: This variant is present in population databases (rs755302991, ExAC 0.01%). In summary, the available evidence is currently insufficient to determine the role of this variant in disease. Therefore, it has been classified as a Variant of Uncertain Significance. Nucleotide substitutions within the consensus splice site are a relatively common cause of aberrant splicing (PMID: 17576681, 9536098). Algorithms developed to predict the effect of sequence changes on RNA splicing suggest that this variant is not likely to affect RNA splicing, but this prediction has not been confirmed by published transcriptional studies. This variant has not been reported in the literature in individuals with MEN1-related conditions. This sequence change falls in intron 6 of the MEN1 gene. It does not directly change the encoded amino acid sequence of the MEN1 protein, but it affects a nucleotide within the consensus splice site of the intron.

Literature cited by the submitters: PubMed 17576681; PubMed 9536098.